The following is an entry in ClinVar:

ClinVar aggregate classification (germline): Uncertain significance (1 of 4 stars; one submission).

gnomAD v4.1: 2 of 1,613,062 alleles (0.00012%); highest among the groups gnomAD compares: South Asian, 0.0011%; no homozygotes.

Submission:

Labcorp Genetics (formerly Invitae), Labcorp
Classification: Uncertain significance. Last evaluated: 2021-09-02. Review status: criteria provided, single submitter. Criteria: Invitae Variant Classification Sherloc (09022015). Collection method: clinical testing. Allele origin: germline.
Comment: This sequence change replaces valine with methionine at codon 453 of the WDR1 protein (p.Val453Met). The valine residue is moderately conserved and there is a small physicochemical difference between valine and methionine. This variant is not present in population databases (ExAC no frequency). This variant has not been reported in the literature in individuals affected with WDR1-related conditions. Algorithms developed to predict the effect of missense changes on protein structure and function are either unavailable or do not agree on the potential impact of this missense change (SIFT: "Deleterious"; PolyPhen-2: "Benign"; Align-GVGD: "Class C0"). In summary, the available evidence is currently insufficient to determine the role of this variant in disease. Therefore, it has been classified as a Variant of Uncertain Significance.

NM_017491.5(WDR1):c.1357G>A (p.Val453Met)

Gene: WDR1 (WD repeat domain 1; minus strand). Cytogenetic location: 4p16.1.
Variant type: single nucleotide variant.
Coding change: c.1357G>A on transcript NM_017491.5 (MANE Select); coding-DNA position 1357, G replaced by A.
Protein change: p.Val453Met; replaces valine 453 with methionine.
Molecular consequence: missense variant.
Genome position (GRCh38, 1-based): chr4:10,078,929, C>T on the plus strand (G>A on the coding strand, the complement: WDR1 is on the minus strand). VCF-style: chr4-10078929-C-T. GRCh37 (hg19) VCF-style: chr4-10080553-C-T.
Other names: c.937G>A, p.Val313Met (NM_005112.5); short protein forms V313M, V453M.
Identifiers: ClinVar variation 1410561 (VCV001410561.5), dbSNP rs950527140, ClinGen allele CA92221288.
Genomic context (GRCh38, chr4:10,078,929, plus strand): 5'-GGGGGAGAGGAAAGCGACTTACCACACCCCCAATTGCCACCGTGTCCCCGCCGGGGTGCA[C>T]TGCCACAACTTCGGGCTCGTAGCCGGGGTTGTCGATGCTGAAGCACTTCCTCTGATCCTT-3'
Protein context (NP_059830.1, residues 443-463): NPGYEPEVVA[Val453Met]HPGGDTVAIG